The following is an entry in ClinVar:

NM_001429.4(EP300):c.7057G>A (p.Ala2353Thr)

Gene: EP300 (EP300 lysine acetyltransferase; plus strand). Cytogenetic location: 22q13.2.
Variant type: single nucleotide variant.
Coding change: c.7057G>A on transcript NM_001429.4 (MANE Select); coding-DNA position 7057, G replaced by A.
Protein change: p.Ala2353Thr; replaces alanine 2353 with threonine.
Molecular consequence: missense variant.
Genome position (GRCh38, 1-based): chr22:41,178,768, G>A. VCF-style: chr22-41178768-G-A. GRCh37 (hg19) VCF-style: chr22-41574772-G-A.
Other names: c.6979G>A, p.Ala2327Thr (NM_001362843.2); short protein forms A2327T, A2353T.
Identifiers: ClinVar variation 4996037 (VCV004996037.1).

ClinVar aggregate classification (germline): Uncertain significance (1 of 4 stars; one submission).

Conditions:
EP300-related disorder. Also called: EP300-related condition; EP300-related disorders.

Submission:

PreventionGenetics, part of Exact Sciences
Classification: Uncertain significance for EP300-related condition. Last evaluated: 2026-06-22. Review status: criteria provided, single submitter. Criteria: ACMG Guidelines, 2015. Collection method: clinical testing. Allele origin: germline.
Comment: The EP300 c.7057G>A variant is predicted to result in the amino acid substitution p.Ala2353Thr. To our knowledge, this variant has not been reported in the literature or in a large population database (gnomAD), indicating this variant is rare. At this time, the clinical significance of this variant is uncertain due to the absence of conclusive functional and genetic evidence.